The following is an entry in ClinVar:

ClinVar aggregate classification (germline): Uncertain significance (1 of 4 stars; one submission).

Submission:

Ambry Genetics
Classification: Uncertain significance. Last evaluated: 2024-05-22. Review status: criteria provided, single submitter. Criteria: Ambry Variant Classification Scheme 2023. Collection method: clinical testing. Allele origin: germline.
Comment: The p.M13I variant (also known as c.39G>T), located in coding exon 1 of the IDH1 gene, results from a G to T substitution at nucleotide position 39. The methionine at codon 13 is replaced by isoleucine, an amino acid with highly similar properties. This amino acid position is conserved. In addition, the in silico prediction for this alteration is inconclusive. Since supporting evidence is limited at this time, the clinical significance of this alteration remains unclear.

NM_005896.4(IDH1):c.39G>T (p.Met13Ile)

Gene: IDH1 (isocitrate dehydrogenase (NADP(+)) 1; minus strand). Cytogenetic location: 2q34.
Variant type: single nucleotide variant.
Coding change: c.39G>T on transcript NM_005896.4 (MANE Select); coding-DNA position 39, G replaced by T.
Protein change: p.Met13Ile; replaces methionine 13 with isoleucine.
Molecular consequence: missense variant.
Genome position (GRCh38, 1-based): chr2:208,251,513, C>A on the plus strand (G>T on the coding strand, the complement: IDH1 is on the minus strand). VCF-style: chr2-208251513-C-A. GRCh37 (hg19) VCF-style: chr2-209116237-C-A.
Other names: c.39G>T, p.Met13Ile (NM_001282386.1, NM_001282387.1); short protein forms M13I.
Identifiers: ClinVar variation 1736887 (VCV001736887.3), dbSNP rs946096480, ClinGen allele CA64590200.
Genomic context (GRCh38, chr2:208,251,513, plus strand): 5'-GGGAAAAATGAGTTTCTCTTTAATCAATTCCCAAATGATTCGTGTCATTTCATCTCCTTG[C>A]ATCTCTACCACAGAACCGCCACTGATTTTTTTGGACATTTTGACTTCAATAAACCTAAAA-3'
Protein context (NP_005887.2, residues 3-23): KKISGGSVVE[Met13Ile]QGDEMTRIIW